The following is an entry in ClinVar:

NM_005502.4(ABCA1):c.2819C>T (p.Thr940Met)

Gene: ABCA1 (ATP binding cassette subfamily A member 1; minus strand). Cytogenetic location: 9q31.1.
Variant type: single nucleotide variant.
Coding change: c.2819C>T on transcript NM_005502.4 (MANE Select); coding-DNA position 2819, C replaced by T.
Protein change: p.Thr940Met; replaces threonine 940 with methionine.
Molecular consequence: missense variant.
Genome position (GRCh38, 1-based): chr9:104,822,505, G>A on the plus strand (C>T on the coding strand, the complement: ABCA1 is on the minus strand). VCF-style: chr9-104822505-G-A. GRCh37 (hg19) VCF-style: chr9-107584786-G-A.
Other names: c.2819C>T (NM_005502.3); short protein forms T940M.
Identifiers: ClinVar variation 2735312 (VCV002735312.4), dbSNP rs1832453675, ClinGen allele CA374320115.

ClinVar aggregate classification (germline): Pathogenic/Likely pathogenic. Review status: criteria provided, multiple submitters, no conflicts (2 of 4 stars). 2 submissions from 2 submitters: Pathogenic (1); Likely pathogenic (1). Last evaluated 2025-05-03.

Conditions:
Cardiovascular phenotype. Identifiers: MedGen CN230736.

Allele frequency attached by ClinVar (database versions not stated): TOPMed below 0.00001; gnomAD exomes 0.00001.
gnomAD v4.1: 11 of 1,613,494 alleles (0.00068%); highest among the groups gnomAD compares: South Asian, 0.0022%; no homozygotes.

Submissions (2):

Ambry Genetics
Classification: Likely pathogenic for Cardiovascular phenotype. Last evaluated: 2025-05-03. Review status: criteria provided, single submitter. Criteria: Ambry Variant Classification Scheme 2023. Collection method: clinical testing. Allele origin: germline.
Comment: The p.T940M variant (also known as c.2819C>T), located in coding exon 18 of the ABCA1 gene, results from a C to T substitution at nucleotide position 2819. The threonine at codon 940 is replaced by methionine, an amino acid with similar properties. This variant was reported as heterozygous in individual(s) with features consistent with HDL deficiency (Dron JS et al. J Lipid Res, 2017 Nov;58:2162-2170). This variant has also been identified in the homozygous state and/or in conjunction with other ABCA1 variant(s) in individual(s) with features consistent with Tangier disease; in at least one instance, the variants were identified in trans (Uehara Y et al. Atherosclerosis, 2008 Mar;197:283-9; Brunham LR et al. JIMD Rep, 2015 Oct;18:51-62). This variant is considered to be rare based on population cohorts in the Genome Aggregation Database (gnomAD). This amino acid position is highly conserved in available vertebrate species. In addition, this alteration is predicted to be deleterious by in silico analysis. Based on the majority of available evidence to date, this variant is likely to be pathogenic.

Labcorp Genetics (formerly Invitae), Labcorp
Classification: Pathogenic. Last evaluated: 2023-09-17. Review status: criteria provided, single submitter. Criteria: Invitae Variant Classification Sherloc (09022015). Collection method: clinical testing. Allele origin: germline.
Comment: Advanced modeling of protein sequence and biophysical properties (such as structural, functional, and spatial information, amino acid conservation, physicochemical variation, residue mobility, and thermodynamic stability) performed at Invitae indicates that this missense variant is expected to disrupt ABCA1 protein function. This sequence change replaces threonine, which is neutral and polar, with methionine, which is neutral and non-polar, at codon 940 of the ABCA1 protein (p.Thr940Met). This variant is not present in population databases (gnomAD no frequency). This missense change has been observed in individuals with Tangier disease (PMID: 17560579, 25308558). It has also been observed to segregate with disease in related individuals. For these reasons, this variant has been classified as Pathogenic.

Literature cited by the submitters: PubMed 17560579 (cited by Ambry Genetics and Labcorp Genetics (formerly Invitae), Labcorp); PubMed 25308558 (cited by Ambry Genetics and Labcorp Genetics (formerly Invitae), Labcorp); PubMed 28870971 (cited by Ambry Genetics).